The following is an entry in ClinVar:

ClinVar aggregate classification (germline): Benign (1 of 4 stars; one submission).

Allele frequency attached by ClinVar (database versions not stated): gnomAD 0.03053 and 0.03263; TOPMed 0.03392; 1000 Genomes Project 0.03474; 1000 Genomes Project 30x 0.03576.
gnomAD v4.1: 4,614 of 152,286 alleles (3%); highest among the groups gnomAD compares: African/African-American, 10%; 223 homozygotes.

Submission:

GeneDx
Classification: Benign. Last evaluated: 2018-06-19. Review status: criteria provided, single submitter. Criteria: GeneDx Variant Classification (06012015). Collection method: clinical testing. Allele origin: germline. Affected: yes.
Comment: This variant is considered likely benign or benign based on one or more of the following criteria: it is a conservative change, it occurs at a poorly conserved position in the protein, it is predicted to be benign by multiple in silico algorithms, and/or has population frequency not consistent with disease.

NM_000350.3(ABCA4):c.4539+1702A>G

Gene: ABCA4 (ATP binding cassette subfamily A member 4; minus strand). Cytogenetic location: 1p22.1.
Variant type: single nucleotide variant.
Coding change: c.4539+1702A>G on transcript NM_000350.3 (MANE Select); 1702 bases into the intron after coding-DNA position 4539, A replaced by G.
Molecular consequence: intron variant.
Genome position (GRCh38, 1-based): chr1:94,027,743, T>C on the plus strand (A>G on the coding strand, the complement: ABCA4 is on the minus strand). VCF-style: chr1-94027743-T-C. GRCh37 (hg19) VCF-style: chr1-94493299-T-C.
Identifiers: ClinVar variation 674085 (VCV000674085.1), dbSNP rs17110887, ClinGen allele CA26848340.